The following is an entry in ClinVar:

ClinVar aggregate classification (germline): Likely pathogenic (1 of 4 stars; one submission).

gnomAD v4.1: 1 of 1,570,580 alleles (0.000064%); highest among the groups gnomAD compares: South Asian, 0.0011%; no homozygotes.

Submission:

Labcorp Genetics (formerly Invitae), Labcorp
Classification: Likely pathogenic. Last evaluated: 2022-03-22. Review status: criteria provided, single submitter. Criteria: Invitae Variant Classification Sherloc (09022015). Collection method: clinical testing. Allele origin: germline.
Comment: In summary, the currently available evidence indicates that the variant is pathogenic, but additional data are needed to prove that conclusively. Therefore, this variant has been classified as Likely Pathogenic. Algorithms developed to predict the effect of sequence changes on RNA splicing suggest that this variant may disrupt the consensus splice site. This variant has not been reported in the literature in individuals affected with LZTR1-related conditions. This variant is not present in population databases (gnomAD no frequency). This sequence change affects a donor splice site in intron 11 of the LZTR1 gene. It is expected to disrupt RNA splicing. Variants that disrupt the donor or acceptor splice site typically lead to a loss of protein function (PMID: 16199547), and loss-of-function variants in LZTR1 are known to be pathogenic (PMID: 24362817, 25335493, 25480913, 25795793, 29469822, 30442762, 30442766, 30481304, 30859559).

Literature cited by the submitters: PubMed 16199547; PubMed 24362817; PubMed 25335493; PubMed 25480913; PubMed 25795793; PubMed 29469822; PubMed 30442762; PubMed 30442766; PubMed 30481304; PubMed 30859559.

NM_006767.4(LZTR1):c.1260+2T>A

Gene: LZTR1 (leucine zipper like post translational regulator 1; plus strand). Cytogenetic location: 22q11.21.
Variant type: single nucleotide variant.
Coding change: c.1260+2T>A on transcript NM_006767.4 (MANE Select); the canonical splice donor site of the intron after coding-DNA position 1260, T replaced by A.
Molecular consequence: splice donor variant.
Genome position (GRCh38, 1-based): chr22:20,992,906, T>A. VCF-style: chr22-20992906-T-A. GRCh37 (hg19) VCF-style: chr22-21347195-T-A.
Identifiers: ClinVar variation 2089339 (VCV002089339.4), dbSNP rs1924658167, ClinGen allele CA410774194.